The following is an entry in ClinVar:

ClinVar aggregate classification (germline): Likely benign. Review status: criteria provided, multiple submitters, no conflicts (2 of 4 stars). 2 submissions from 2 submitters: Likely benign (2). Last evaluated 2026-05-04.

Conditions:
MYLK-related disorder. Also called: MYLK-related condition.

gnomAD v4.1: 46 of 1,614,126 alleles (0.0028%); highest among the groups gnomAD compares: Non-Finnish European, 0.0039%; no homozygotes.

Submissions (2):

PreventionGenetics, part of Exact Sciences
Classification: Likely benign for MYLK-related condition. Last evaluated: 2026-05-04. Review status: criteria provided, single submitter. Criteria: ACMG Guidelines, 2015. Collection method: clinical testing. Allele origin: germline.
Comment: This variant is classified as likely benign based on ACMG/AMP sequence variant interpretation guidelines (Richards et al. 2015 PMID: 25741868, with internal and published modifications).

Blueprint Genetics
Classification: Likely benign. Last evaluated: 2021-05-14. Review status: criteria provided, single submitter. Criteria: ACMG Guidelines, 2015. Collection method: clinical testing. Allele origin: germline.

NM_053025.4(MYLK):c.5274G>A (p.Leu1758=)

Genes: MYLK (myosin light chain kinase; minus strand), MYLK-AS1 (MYLK antisense RNA 1; plus strand). Cytogenetic location: 3q21.1.
Variant type: single nucleotide variant.
Coding change: c.5274G>A on transcript NM_053025.4 (MANE Select); coding-DNA position 5274, G replaced by A.
Protein change: p.Leu1758=; no amino-acid change (leucine 1758 retained).
Molecular consequence: synonymous variant. On other transcripts: 5 prime UTR variant (3).
Genome position (GRCh38, 1-based): chr3:123,620,301, C>T on the plus strand (G>A on the coding strand, the complement: MYLK is on the minus strand). VCF-style: chr3-123620301-C-T. GRCh37 (hg19) VCF-style: chr3-123339148-C-T.
Other names: c.4746G>A, p.Leu1582= (NM_001321309.2); c.-7G>A (NM_001438035.1, NM_053031.4, NM_053032.4); c.5067G>A, p.Leu1689= (NM_053026.4); c.5121G>A, p.Leu1707= (NM_053027.4); c.4914G>A, p.Leu1638= (NM_053028.4); c.5274G>A (NM_053025.3).
Identifiers: ClinVar variation 4963908 (VCV004963908.2).